The following is an entry in ClinVar:

NM_001289808.2(CRYAB):c.222G>C (p.Arg74Ser)

Gene: CRYAB (crystallin alpha B; minus strand). Cytogenetic location: 11q23.1.
Variant type: single nucleotide variant.
Coding change: c.222G>C on transcript NM_001289808.2 (MANE Select); coding-DNA position 222, G replaced by C.
Protein change: p.Arg74Ser; replaces arginine 74 with serine.
Molecular consequence: missense variant.
Genome position (GRCh38, 1-based): chr11:111,910,429, C>G on the plus strand (G>C on the coding strand, the complement: CRYAB is on the minus strand). VCF-style: chr11-111910429-C-G. GRCh37 (hg19) VCF-style: chr11-111781153-C-G.
Other names: c.222G>C, p.Arg74Ser (NM_001289807.1, NM_001368245.1, NM_001885.3); c.21G>C, p.Arg7Ser (NM_001330379.1, NM_001368246.1); c.222G>C (NM_001885.1); short protein forms R7S, R74S.
Identifiers: ClinVar variation 2892479 (VCV002892479.2), dbSNP rs1965417253, ClinGen allele CA382599614.

ClinVar aggregate classification (germline): Uncertain significance. Review status: criteria provided, multiple submitters, no conflicts (2 of 4 stars). 2 submissions from 2 submitters: Uncertain significance (2). Last evaluated 2024-03-24.

Conditions:
Cardiovascular phenotype. Identifiers: MedGen CN230736.
Dilated cardiomyopathy 1II (CMD1II). Identifiers: Orphanet 154, MedGen C3554649, MONDO:0014073, OMIM 615184.

Submissions (2):

Ambry Genetics
Classification: Uncertain significance for Cardiovascular phenotype. Last evaluated: 2024-03-24. Review status: criteria provided, single submitter. Criteria: Ambry Variant Classification Scheme 2023. Collection method: clinical testing. Allele origin: germline.
Comment: The p.R74S variant (also known as c.222G>C), located in coding exon 2 of the CRYAB gene, results from a G to C substitution at nucleotide position 222. The arginine at codon 74 is replaced by serine, an amino acid with dissimilar properties. This amino acid position is conserved. In addition, the in silico prediction for this alteration is inconclusive. Based on the available evidence, the clinical significance of this alteration remains unclear.

Labcorp Genetics (formerly Invitae), Labcorp
Classification: Uncertain significance for Dilated cardiomyopathy 1II. Last evaluated: 2023-03-11. Review status: criteria provided, single submitter. Criteria: Invitae Variant Classification Sherloc (09022015). Collection method: clinical testing. Allele origin: germline.
Comment: In summary, the available evidence is currently insufficient to determine the role of this variant in disease. Therefore, it has been classified as a Variant of Uncertain Significance. An algorithm developed to predict the effect of missense changes on protein structure and function (PolyPhen-2) suggests that this variant is likely to be disruptive. This variant has not been reported in the literature in individuals affected with CRYAB-related conditions. This variant is not present in population databases (gnomAD no frequency). This sequence change replaces arginine, which is basic and polar, with serine, which is neutral and polar, at codon 74 of the CRYAB protein (p.Arg74Ser).